The following is an entry in ClinVar:

NM_000264.5(PTCH1):c.2824C>T (p.Arg942Trp)

Gene: PTCH1 (patched 1; minus strand). Cytogenetic location: 9q22.32.
Variant type: single nucleotide variant.
Coding change: c.2824C>T on transcript NM_000264.5 (MANE Select); coding-DNA position 2824, C replaced by T.
Protein change: p.Arg942Trp; replaces arginine 942 with tryptophan.
Molecular consequence: missense variant. On other transcripts: non-coding transcript variant (1).
Genome position (GRCh38, 1-based): chr9:95,459,663, G>A on the plus strand (C>T on the coding strand, the complement: PTCH1 is on the minus strand). VCF-style: chr9-95459663-G-A. GRCh37 (hg19) VCF-style: chr9-98221945-G-A.
Other names: c.2371C>T, p.Arg791Trp (NM_001083605.3, NM_001083606.3, NM_001083607.3 and 1 more transcripts); c.2668C>T, p.Arg890Trp (NM_001354918.2); c.2626C>T, p.Arg876Trp (NM_001083602.3); c.2821C>T, p.Arg941Trp (NM_001083603.3); c.2824C>T (NM_000264.3); short protein forms R876W, R791W, R890W, R941W, R942W.
Identifiers: ClinVar variation 1469052 (VCV001469052.9), dbSNP rs756465236, ClinGen allele CA5138318.

ClinVar aggregate classification (germline): Conflicting classifications of pathogenicity. Review status: criteria provided, conflicting classifications (1 of 4 stars). 2 submissions from 2 submitters: Uncertain significance (1); Benign (1). Last evaluated 2024-12-26.

Conditions:
Hereditary cancer-predisposing syndrome. Also called: Neoplastic Syndromes, Hereditary; Hereditary Cancer Syndrome; Tumor predisposition; Hereditary neoplastic syndrome. Identifiers: Orphanet 140162, MedGen C0027672, MeSH D009386, MONDO:0015356.
Gorlin syndrome. Also called: Nevoid Basal Cell Carcinoma Syndrome; Basal cell nevus syndrome. Identifiers: Orphanet 377, MedGen C0004779, MONDO:0007187.

Allele frequency attached by ClinVar (database versions not stated): gnomAD exomes 0.00001; ExAC 0.00002.
gnomAD v4.1: 7 of 1,614,168 alleles (0.00043%); highest among the groups gnomAD compares: South Asian, 0.0011%; no homozygotes.

Submissions (2):

Labcorp Genetics (formerly Invitae), Labcorp
Classification: Benign for Gorlin syndrome. Last evaluated: 2024-12-26. Review status: criteria provided, single submitter. Criteria: Invitae Variant Classification Sherloc (09022015). Collection method: clinical testing. Allele origin: germline.

Ambry Genetics
Classification: Uncertain significance for Hereditary cancer-predisposing syndrome. Last evaluated: 2024-05-28. Review status: criteria provided, single submitter. Criteria: Ambry Variant Classification Scheme 2023. Collection method: clinical testing. Allele origin: germline.
Comment: The p.R942W variant (also known as c.2824C>T), located in coding exon 17 of the PTCH1 gene, results from a C to T substitution at nucleotide position 2824. The arginine at codon 942 is replaced by tryptophan, an amino acid with dissimilar properties. This amino acid position is highly conserved in available vertebrate species. In addition, this alteration is predicted to be deleterious by in silico analysis. Based on the available evidence, the clinical significance of this variant remains unclear.